The following is an entry in ClinVar:

NM_000245.4(MET):c.2933C>T (p.Pro978Leu)

Gene: MET (MET proto-oncogene, receptor tyrosine kinase; plus strand). Cytogenetic location: 7q31.2.
Variant type: single nucleotide variant.
Coding change: c.2933C>T on transcript NM_000245.4 (MANE Select); coding-DNA position 2933, C replaced by T.
Protein change: p.Pro978Leu; replaces proline 978 with leucine.
Molecular consequence: missense variant.
Genome position (GRCh38, 1-based): chr7:116,771,894, C>T. VCF-style: chr7-116771894-C-T. GRCh37 (hg19) VCF-style: chr7-116411948-C-T.
Other names: c.2987C>T (LRG_662t1); c.2987C>T, p.Pro996Leu (NM_001127500.3); c.1643C>T, p.Pro548Leu (NM_001324402.2); short protein forms P996L, P978L, P548L.
Identifiers: ClinVar variation 411903 (VCV000411903.8), dbSNP rs1060503540, ClinGen allele CA16612265.

ClinVar aggregate classification (germline): Uncertain significance. Review status: criteria provided, multiple submitters, no conflicts (2 of 4 stars). 2 submissions from 2 submitters: Uncertain significance (2). Last evaluated 2025-01-16.

Conditions:
Renal cell carcinoma. Identifiers: Orphanet 217071, MedGen C0007134, MeSH D002292, MONDO:0005086, HP:0005584.

Allele frequency attached by ClinVar (database versions not stated): gnomAD exomes below 0.00001.

Submissions (2):

GeneDx
Classification: Uncertain significance. Last evaluated: 2025-01-16. Review status: criteria provided, single submitter. Criteria: GeneDx Variant Classification Process June 2021. Collection method: clinical testing. Allele origin: germline. Affected: yes.
Comment: Not observed at significant frequency in large population cohorts (gnomAD); In silico analysis supports that this missense variant has a deleterious effect on protein structure/function; Has not been previously published as pathogenic or benign to our knowledge

Labcorp Genetics (formerly Invitae), Labcorp
Classification: Uncertain significance for Renal cell carcinoma. Last evaluated: 2021-08-28. Review status: criteria provided, single submitter. Criteria: Invitae Variant Classification Sherloc (09022015). Collection method: clinical testing. Allele origin: germline.
Comment: This sequence change replaces proline with leucine at codon 996 of the MET protein (p.Pro996Leu). The proline residue is highly conserved and there is a moderate physicochemical difference between proline and leucine. This variant is not present in population databases (ExAC no frequency). This variant has not been reported in the literature in individuals affected with MET-related conditions. Algorithms developed to predict the effect of missense changes on protein structure and function are either unavailable or do not agree on the potential impact of this missense change (SIFT: "Deleterious"; PolyPhen-2: "Probably Damaging"; Align-GVGD: "Class C0"). In summary, the available evidence is currently insufficient to determine the role of this variant in disease. Therefore, it has been classified as a Variant of Uncertain Significance.